The following is an entry in ClinVar:

NM_016529.6(ATP8A2):c.1185+5G>T

Gene: ATP8A2 (ATPase phospholipid transporting 8A2). Cytogenetic location: 13q12.13.
Variant type: single nucleotide variant.
Coding change: c.1185+5G>T on transcript NM_016529.6 (MANE Select); 5 bases into the intron after coding-DNA position 1185, G replaced by T.
Molecular consequence: intron variant.
Genome position (GRCh38, 1-based): chr13:25,553,925, G>T. VCF-style: chr13-25553925-G-T. GRCh37 (hg19) VCF-style: chr13-26128063-G-T.
Other names: c.1065+5G>T (NM_001313741.1).
Identifiers: ClinVar variation 1804809 (VCV001804809.1), dbSNP rs1435254326, ClinGen allele CA608704075.

ClinVar aggregate classification (germline): Uncertain significance (1 of 4 stars; one submission).

Allele frequency attached by ClinVar (database versions not stated): gnomAD exomes below 0.00001; TOPMed 0.00002; gnomAD 0.00003.
gnomAD v4.1: 10 of 1,609,680 alleles (0.00062%); highest among the groups gnomAD compares: Non-Finnish European, 0.00085%; no homozygotes.

Submission:

Women's Health and Genetics/Laboratory Corporation of America, LabCorp
Classification: Uncertain significance. Last evaluated: 2022-11-17. Review status: criteria provided, single submitter. Criteria: LabCorp Variant Classification Summary - May 2015. Collection method: clinical testing. Allele origin: germline.
Comment: Variant summary: ATP8A2 c.1185+5G>T alters a conserved nucleotide located close to a canonical splice site and therefore could affect mRNA splicing, leading to a significantly altered protein sequence. Several computational tools predict a significant impact on normal splicing: Three predict the variant weakens a 5' donor site. However, these predictions have yet to be confirmed by functional studies. The variant allele was found at a frequency of 4.1e-06 in 244936 control chromosomes (gnomAD). The available data on variant occurrences in the general population are insufficient to allow any conclusion about variant significance. To our knowledge, no occurrence of c.1185+5G>T in individuals affected with Cerebellar Ataxia, Mental Retardation, And Dysequilibrium Syndrome 4 and no experimental evidence demonstrating its impact on protein function have been reported. No clinical diagnostic laboratories have submitted clinical-significance assessments for this variant to ClinVar after 2014. Based on the evidence outlined above, the variant was classified as uncertain significance.